The following is an entry in ClinVar:

ClinVar aggregate classification (germline): Pathogenic (1 of 4 stars; one submission).

Conditions:
TBX5-related disorder. Also called: TBX5-related condition.

Submission:

PreventionGenetics, part of Exact Sciences
Classification: Pathogenic for TBX5-related condition. Last evaluated: 2026-08-10. Review status: criteria provided, single submitter. Criteria: ACMG Guidelines, 2015. Collection method: clinical testing. Allele origin: germline.
Comment: The TBX5 c.693delC variant is predicted to result in a frameshift and premature protein termination (p.Phe232Leufs*32). To our knowledge, this variant has not been reported in the literature or in a large population database (gnomAD), indicating this variant is rare. Frameshift variants in TBX5 are expected to be pathogenic. This variant is interpreted as pathogenic.

NM_181486.4(TBX5):c.693del (p.Phe232fs)

Gene: TBX5 (T-box transcription factor 5; minus strand). Cytogenetic location: 12q24.21.
Variant type: Deletion.
Coding change: c.693del on transcript NM_181486.4 (MANE Select); coding-DNA position 693, one base deleted (C; older notation c.693delC).
Protein change: p.Phe232fs; shifts the reading frame from phenylalanine 232.
Molecular consequence: frameshift variant.
Genome position (GRCh38, 1-based): chr12:114,385,538, G deleted on the plus strand (C on the coding strand, the reverse complement: TBX5 is on the minus strand); the first of 3 consecutive G bases (chr12:114,385,538-114,385,540); deleting any one gives the same sequence. VCF-style (leftmost placement, unchanged base first): chr12-114385537-AG-A. GRCh37 (hg19) VCF-style: chr12-114823342-AG-A.
Other names: c.693delC (NM_000192.3); c.693del, p.Phe232fs (NM_000192.3); c.543del, p.Phe182fs (NM_080717.4); short protein forms F182fs, F232fs.
Identifiers: ClinVar variation 4991497 (VCV004991497.1).